The following is an entry in ClinVar:

NM_153365.3(TAPT1):c.942T>C (p.Tyr314=)

Gene: TAPT1 (transmembrane anterior posterior transformation 1; minus strand). Cytogenetic location: 4p15.32.
Variant type: single nucleotide variant.
Coding change: c.942T>C on transcript NM_153365.3 (MANE Select); coding-DNA position 942, T replaced by C.
Protein change: p.Tyr314=; no amino-acid change (tyrosine 314 retained).
Molecular consequence: synonymous variant.
Genome position (GRCh38, 1-based): chr4:16,179,632, A>G on the plus strand (T>C on the coding strand, the complement: TAPT1 is on the minus strand). VCF-style: chr4-16179632-A-G. GRCh37 (hg19) VCF-style: chr4-16181255-A-G.
Other names: p.Tyr314=.
Identifiers: ClinVar variation 718513 (VCV000718513.15), dbSNP rs28522395, ClinGen allele CA2867403.

ClinVar aggregate classification (germline): Benign/Likely benign. Review status: criteria provided, multiple submitters, no conflicts (2 of 4 stars). 5 submissions from 5 submitters: Benign (2); Likely benign (3). Last evaluated 2026-06-01.

Allele frequency attached by ClinVar (database versions not stated): gnomAD exomes 0.00035 and 0.00083; ExAC 0.00164; 1000 Genomes Project 30x 0.00312; ESP Exome Variant Server 0.00352; 1000 Genomes Project 0.00379; gnomAD 0.00380 and 0.00401; TOPMed 0.00404.

Submissions (5):

CeGaT Center for Human Genetics Tuebingen
Classification: Likely benign. Last evaluated: 2026-06-01. Review status: criteria provided, single submitter. Criteria: CeGaT Center For Human Genetics Tuebingen Variant Classification Criteria Version 2. Collection method: clinical testing. Allele origin: germline. Affected: yes. Observed: 1 variant allele.
Comment: TAPT1: BP4, BP7, BS1

Labcorp Genetics (formerly Invitae), Labcorp
Classification: Benign. Last evaluated: 2026-01-08. Review status: criteria provided, single submitter. Criteria: Invitae Variant Classification Sherloc (09022015). Collection method: clinical testing. Allele origin: germline.

Mayo Clinic Laboratories, Mayo Clinic
Classification: Likely benign. Last evaluated: 2025-08-12. Review status: criteria provided, single submitter. Criteria: ACMG Guidelines, 2015. Collection method: clinical testing. Allele origin: germline. Observed: 1 variant allele.
Comment: BS1, BP4, BP7

Blueprint Genetics
Classification: Likely benign. Last evaluated: 2024-11-11. Review status: criteria provided, single submitter. Criteria: ACMG Guidelines, 2015. Collection method: clinical testing. Allele origin: germline.

Breakthrough Genomics
Classification: Benign. Review status: criteria provided, single submitter. Criteria: ACMG Guidelines, 2015. Collection method: not provided. Allele origin: germline. Inheritance: Autosomal recessive inheritance. Affected: yes.